The following is an entry in ClinVar:

NM_000540.3(RYR1):c.6376C>T (p.Arg2126Trp)

Gene: RYR1 (ryanodine receptor 1; plus strand). Cytogenetic location: 19q13.2.
Variant type: single nucleotide variant.
Coding change: c.6376C>T on transcript NM_000540.3 (MANE Select); coding-DNA position 6376, C replaced by T.
Protein change: p.Arg2126Trp; replaces arginine 2126 with tryptophan.
Molecular consequence: missense variant.
Genome position (GRCh38, 1-based): chr19:38,494,453, C>T. VCF-style: chr19-38494453-C-T. GRCh37 (hg19) VCF-style: chr19-38985093-C-T.
Other names: c.6376C>T, p.Arg2126Trp (NM_001042723.2); short protein forms R2126W.
Identifiers: ClinVar variation 571379 (VCV000571379.7), dbSNP rs1265086155, ClinGen allele CA405663753.
Genomic context (GRCh38, chr19:38,494,453, plus strand): 5'-GCCCAAGAGGACTTCGTGCAGAGCCCCGAGCTGGTGCGGGCCATGTTCAGCCTCCTGCAC[C>T]GGCAGTACGACGGGCTGGGTGAGCTGCTGCGTGCCCTGCCGCGGGCGTACACCATCTCAC-3'
Protein context (NP_000531.2, residues 2116-2136): LVRAMFSLLH[Arg2126Trp]QYDGLGELLR

ClinVar aggregate classification (germline): Uncertain significance. Review status: criteria provided, multiple submitters, no conflicts (2 of 4 stars). 2 submissions from 2 submitters: Uncertain significance (2). Last evaluated 2024-08-06.

Conditions:
RYR1-related disorder. Also called: RYR1-related disorders; RYR1-related condition. Identifiers: MedGen CN239331.
Malignant hyperthermia, susceptibility to, 1 (MHS1). Also called: RYR1-Related Malignant Hyperthermia Susceptibility; Malignant hyperthermia suceptibility 1; Anesthesia related hyperthermia; Malignant hyperpyrexia; Fulminating hyperpyrexia; Pharmacogenic myopathy. Identifiers: Orphanet 423, MedGen C2930980, MONDO:0007783, OMIM 145600.

Allele frequency attached by ClinVar (database versions not stated): TOPMed below 0.00001.
gnomAD v4.1: 6 of 1,612,670 alleles (0.00037%); highest among the groups gnomAD compares: Non-Finnish European, 0.00034%; no homozygotes.

Submissions (2):

All of Us Research Program, National Institutes of Health
Classification: Uncertain significance for Malignant hyperthermia, susceptibility to, 1. Last evaluated: 2024-08-06. Review status: criteria provided, single submitter. Criteria: ACMG Guidelines, 2015. Collection method: clinical testing. Allele origin: germline. Inheritance: Autosomal dominant inheritance. Observed: 1 variant allele, 1 heterozygote.
Comment: This study involves interpretation of variants in research participants for the purpose of population health screening. Participant phenotype was not available at the time of variant classification. Additional details can be found in publication PMID: 35346344, PMCID: PMC8962531

Labcorp Genetics (formerly Invitae), Labcorp
Classification: Uncertain significance for RYR1-related disorder. Last evaluated: 2022-07-05. Review status: criteria provided, single submitter. Criteria: Invitae Variant Classification Sherloc (09022015). Collection method: clinical testing. Allele origin: germline.
Comment: This sequence change replaces arginine, which is basic and polar, with tryptophan, which is neutral and slightly polar, at codon 2126 of the RYR1 protein (p.Arg2126Trp). This variant is present in population databases (no rsID available, gnomAD 0.0009%). This missense change has been observed in individual(s) with congenital myopathy (Invitae). ClinVar contains an entry for this variant (Variation ID: 571379). Advanced modeling of protein sequence and biophysical properties (such as structural, functional, and spatial information, amino acid conservation, physicochemical variation, residue mobility, and thermodynamic stability) performed at Invitae indicates that this missense variant is expected to disrupt RYR1 protein function. In summary, the available evidence is currently insufficient to determine the role of this variant in disease. Therefore, it has been classified as a Variant of Uncertain Significance.